The following is an entry in ClinVar:

ClinVar aggregate classification (germline): Uncertain significance (1 of 4 stars; one submission).

Conditions:
Microcephaly 1, primary, autosomal recessive (MCPH1). Also called: PREMATURE CHROMOSOME CONDENSATION SYNDROME; PCC SYNDROME; PREMATURE CHROMOSOME CONDENSATION WITH MICROCEPHALY AND MENTAL RETARDATION. Identifiers: Orphanet 2512, MedGen C1855081, MONDO:0009617, OMIM 251200.

Allele frequency attached by ClinVar (database versions not stated): gnomAD exomes below 0.00001; ESP Exome Variant Server 0.00008.
gnomAD v4.1: 6 of 1,613,714 alleles (0.00037%); highest among the groups gnomAD compares: African/African-American, 0.0013%; no homozygotes.

Submission:

Victorian Clinical Genetics Services, Murdoch Childrens Research Institute
Classification: Uncertain significance for Microcephaly 1, primary, autosomal recessive. Last evaluated: 2020-05-21. Review status: criteria provided, single submitter. Criteria: ACMG Guidelines, 2015. Collection method: clinical testing. Allele origin: germline. Inheritance: Autosomal recessive inheritance. Affected: yes.
Comment: Based on the classification scheme VCGS_Germline_v1.1.1, this variant is classified as 3C-VUS. Following criteria are met: 0102 - Loss-of-function is a known mechanism of disease for this gene. (N) 0106 - This gene is known to be associated with autosomal recessive disease. (N) 0200 - Variant is predicted to result in a missense amino acid change from a threonine to an arginine (exon 9). (N) 0251 - Variant is heterozygous. (N) 0301 - Variant is absent from gnomAD. (P) 0503 - Missense variant consistently predicted to be tolerated and not conserved in mammals with a moderate amino acid change. (B) 0504 - Same amino acid change has been observed in mammals. (N) 0604 - Variant is not located in an established domain, motif, hotspot or informative constraint region. (N) 0705 - No comparable variants have previous evidence for pathogenicity. (N) 0807 - Variant has not previously been reported in a clinical context. (N) 0905 - No segregation evidence has been identified for this variant. (N) 1007 - No published functional evidence has been identified for this variant. (N) Legend: (P) - Pathogenic, (N) - Neutral, (B) - Benign

NM_024596.5(MCPH1):c.1844C>G (p.Thr615Arg)

Gene: MCPH1 (microcephalin 1; plus strand). Cytogenetic location: 8p23.1.
Variant type: single nucleotide variant.
Coding change: c.1844C>G on transcript NM_024596.5 (MANE Select); coding-DNA position 1844, C replaced by G.
Protein change: p.Thr615Arg; replaces threonine 615 with arginine.
Molecular consequence: missense variant.
Genome position (GRCh38, 1-based): chr8:6,455,161, C>G. VCF-style: chr8-6455161-C-G. GRCh37 (hg19) VCF-style: chr8-6312682-C-G.
Other names: c.1844C>G, p.Thr615Arg (NM_001322042.2, NM_001363979.1, NM_001363980.2 and 2 more transcripts); short protein forms T615R.
Identifiers: ClinVar variation 1805540 (VCV001805540.1), dbSNP rs369118888, ClinGen allele CA171406178.